The following is an entry in ClinVar:

NM_002772.3(TMPRSS15):c.841G>T (p.Asp281Tyr)

Gene: TMPRSS15 (transmembrane serine protease 15; minus strand). Cytogenetic location: 21q21.1.
Variant type: single nucleotide variant.
Coding change: c.841G>T on transcript NM_002772.3 (MANE Select); coding-DNA position 841, G replaced by T.
Protein change: p.Asp281Tyr; replaces aspartic acid 281 with tyrosine.
Molecular consequence: missense variant.
Genome position (GRCh38, 1-based): chr21:18,359,796, C>A on the plus strand (G>T on the coding strand, the complement: TMPRSS15 is on the minus strand). VCF-style: chr21-18359796-C-A. GRCh37 (hg19) VCF-style: chr21-19732113-C-A.
Other names: short protein forms D281Y.
Identifiers: ClinVar variation 2108191 (VCV002108191.3), dbSNP rs951160232, ClinGen allele CA318091859.

ClinVar aggregate classification (germline): Uncertain significance. Review status: criteria provided, multiple submitters, no conflicts (2 of 4 stars). 2 submissions from 2 submitters: Uncertain significance (2). Last evaluated 2025-04-10.

gnomAD v4.1: 5 of 1,495,758 alleles (0.00033%); highest among the groups gnomAD compares: African/African-American, 0.0014%; no homozygotes.

Submissions (2):

Ambry Genetics
Classification: Uncertain significance. Last evaluated: 2025-04-10. Review status: criteria provided, single submitter. Criteria: Ambry Variant Classification Scheme 2023. Collection method: clinical testing. Allele origin: germline.

Labcorp Genetics (formerly Invitae), Labcorp
Classification: Uncertain significance. Last evaluated: 2022-05-04. Review status: criteria provided, single submitter. Criteria: Invitae Variant Classification Sherloc (09022015). Collection method: clinical testing. Allele origin: germline.
Comment: This sequence change replaces aspartic acid, which is acidic and polar, with tyrosine, which is neutral and polar, at codon 281 of the TMPRSS15 protein (p.Asp281Tyr). This variant is not present in population databases (gnomAD no frequency). This variant has not been reported in the literature in individuals affected with TMPRSS15-related conditions. Algorithms developed to predict the effect of missense changes on protein structure and function are either unavailable or do not agree on the potential impact of this missense change (SIFT: "Not Available"; PolyPhen-2: "Benign"; Align-GVGD: "Not Available"). In summary, the available evidence is currently insufficient to determine the role of this variant in disease. Therefore, it has been classified as a Variant of Uncertain Significance.